The following is an entry in ClinVar:

ClinVar aggregate classification (germline): Uncertain significance (1 of 4 stars; one submission).

Conditions:
Familial adenomatous polyposis 1 (FAP1). Also called: POLYPOSIS, ADENOMATOUS INTESTINAL; FAMILIAL ADENOMATOUS POLYPOSIS 1, ATTENUATED. Identifiers: MedGen C2713442, MONDO:0021056, OMIM 175100. Disease mechanism: loss of function.

Submission:

Labcorp Genetics (formerly Invitae), Labcorp
Classification: Uncertain significance for Familial adenomatous polyposis 1. Last evaluated: 2024-01-24. Review status: criteria provided, single submitter. Criteria: Invitae Variant Classification Sherloc (09022015). Collection method: clinical testing. Allele origin: germline.
Comment: This sequence change replaces tyrosine, which is neutral and polar, with phenylalanine, which is neutral and non-polar, at codon 986 of the APC protein (p.Tyr986Phe). This variant is not present in population databases (gnomAD no frequency). This variant has not been reported in the literature in individuals affected with APC-related conditions. Advanced modeling of protein sequence and biophysical properties (such as structural, functional, and spatial information, amino acid conservation, physicochemical variation, residue mobility, and thermodynamic stability) performed at Invitae indicates that this missense variant is not expected to disrupt APC protein function with a negative predictive value of 95%. In summary, the available evidence is currently insufficient to determine the role of this variant in disease. Therefore, it has been classified as a Variant of Uncertain Significance.

NM_000038.6(APC):c.2957A>T (p.Tyr986Phe)

Gene: APC (APC regulator of Wnt signaling pathway; plus strand). Cytogenetic location: 5q22.2.
Variant type: single nucleotide variant.
Coding change: c.2957A>T on transcript NM_000038.6 (MANE Select); coding-DNA position 2957, A replaced by T.
Protein change: p.Tyr986Phe; replaces tyrosine 986 with phenylalanine.
Molecular consequence: missense variant. On other transcripts: non-coding transcript variant (2).
Genome position (GRCh38, 1-based): chr5:112,838,551, A>T. VCF-style: chr5-112838551-A-T. GRCh37 (hg19) VCF-style: chr5-112174248-A-T.
Other names: c.2957A>T, p.Tyr986Phe (NM_001127510.3, NM_001354895.2, NM_001407450.1); c.2903A>T, p.Tyr968Phe (NM_001127511.3); c.3011A>T, p.Tyr1004Phe (NM_001354896.2, NM_001407447.1, NM_001407448.1 and 1 more transcripts); c.2987A>T, p.Tyr996Phe (NM_001354897.2); c.2882A>T, p.Tyr961Phe (NM_001354898.2); c.2873A>T, p.Tyr958Phe (NM_001354899.2); c.2834A>T, p.Tyr945Phe (NM_001354900.2); c.2780A>T, p.Tyr927Phe (NM_001354901.2, NM_001407453.1); and 11 more; short protein forms Y857F, Y885F, Y927F, Y968F, Y986F, Y1004F, Y703F, Y860F.
Identifiers: ClinVar variation 2762046 (VCV002762046.3), dbSNP rs730881243, ClinGen allele CA16027792.